The following is an entry in ClinVar:

ClinVar aggregate classification (germline): Uncertain significance. Review status: criteria provided, multiple submitters, no conflicts (2 of 4 stars). 3 submissions from 3 submitters: Uncertain significance (3). Last evaluated 2025-10-08.

Allele frequency attached by ClinVar (database versions not stated): ExAC 0.00001; gnomAD exomes below 0.00001.

Submissions (3):

Quest Diagnostics Nichols Institute San Juan Capistrano
Classification: Uncertain significance. Last evaluated: 2025-10-08. Review status: criteria provided, single submitter. Criteria: Quest Diagnostics criteria. Collection method: clinical testing. Allele origin: unknown.
Comment: The GALNT12 c.556C>T (p.Arg186Cys) variant has not been reported in individuals with GALNT12-related conditions in the published literature. The frequency of this variant in the general population (Genome Aggregation Database) is uninformative in the assessment of its pathogenicity. Analysis of this variant using bioinformatics tools for the prediction of the effect of amino acid changes on protein structure and function yielded conflicting predictions that this variant is benign or damaging. Based on the available information, we are unable to determine the clinical significance of this variant.

Labcorp Genetics (formerly Invitae), Labcorp
Classification: Uncertain significance. Last evaluated: 2025-03-09. Review status: criteria provided, single submitter. Criteria: Invitae Variant Classification Sherloc (09022015). Collection method: clinical testing. Allele origin: germline.
Comment: This sequence change replaces arginine, which is basic and polar, with cysteine, which is neutral and slightly polar, at codon 186 of the GALNT12 protein (p.Arg186Cys). This variant is present in population databases (rs750758049, gnomAD 0.0009%). This variant has not been reported in the literature in individuals affected with GALNT12-related conditions. ClinVar contains an entry for this variant (Variation ID: 951164). Invitae Evidence Modeling of protein sequence and biophysical properties (such as structural, functional, and spatial information, amino acid conservation, physicochemical variation, residue mobility, and thermodynamic stability) indicates that this missense variant is not expected to disrupt GALNT12 protein function with a negative predictive value of 80%. In summary, the available evidence is currently insufficient to determine the role of this variant in disease. Therefore, it has been classified as a Variant of Uncertain Significance.

Ambry Genetics
Classification: Uncertain significance. Last evaluated: 2024-05-16. Review status: criteria provided, single submitter. Criteria: Ambry Variant Classification Scheme 2023. Collection method: clinical testing. Allele origin: germline.
Comment: The p.R186C variant (also known as c.556C>T), located in coding exon 3 of the GALNT12 gene, results from a C to T substitution at nucleotide position 556. The arginine at codon 186 is replaced by cysteine, an amino acid with highly dissimilar properties. This amino acid position is not well conserved in available vertebrate species. In addition, this alteration is predicted to be tolerated by in silico analysis. The evidence for this gene-disease relationship is limited; therefore, the clinical significance of this alteration is unclear.

NM_024642.5(GALNT12):c.556C>T (p.Arg186Cys)

Gene: GALNT12 (polypeptide N-acetylgalactosaminyltransferase 12; plus strand). Cytogenetic location: 9q22.33.
Variant type: single nucleotide variant.
Coding change: c.556C>T on transcript NM_024642.5 (MANE Select); coding-DNA position 556, C replaced by T.
Protein change: p.Arg186Cys; replaces arginine 186 with cysteine.
Molecular consequence: missense variant.
Genome position (GRCh38, 1-based): chr9:98,826,766, C>T. VCF-style: chr9-98826766-C-T. GRCh37 (hg19) VCF-style: chr9-101589048-C-T.
Other names: short protein forms R186C.
Identifiers: ClinVar variation 951164 (VCV000951164.15), dbSNP rs750758049, ClinGen allele CA5153987.